The following is an entry in ClinVar:

ClinVar aggregate classification (germline): Uncertain significance (1 of 4 stars; one submission).

Conditions:
Multiple endocrine neoplasia type 4. Also called: MULTIPLE ENDOCRINE NEOPLASIA, TYPE IV. Identifiers: Orphanet 276152, MedGen C1970712, MONDO:0012552, OMIM 610755.

Submission:

Labcorp Genetics (formerly Invitae), Labcorp
Classification: Uncertain significance for Multiple endocrine neoplasia type 4. Last evaluated: 2019-05-13. Review status: criteria provided, single submitter. Criteria: Invitae Variant Classification Sherloc (09022015). Collection method: clinical testing. Allele origin: germline.
Comment: This sequence change results in a frameshift in the CDKN1B gene (p.Pro155Tyrfs*71). While this is not anticipated to result in nonsense mediated decay, it is expected to disrupt the last 44 amino acids of the CDKN1B protein and extend the protein by an additional 26 amino acids. In summary, the available evidence is currently insufficient to determine the role of this variant in disease. Therefore, it has been classified as a Variant of Uncertain Significance. Experimental studies and prediction algorithms are not available for this variant, and the functional significance of the affected amino acid(s) is currently unknown. This variant has not been reported in the literature in individuals with CDKN1B-related conditions. This variant is not present in population databases (ExAC no frequency).

NM_004064.5(CDKN1B):c.461_462insTT (p.Pro155fs)

Gene: CDKN1B (cyclin dependent kinase inhibitor 1B; plus strand). Cytogenetic location: 12p13.1.
Variant type: Insertion.
Coding change: c.461_462insTT on transcript NM_004064.5 (MANE Select); coding-DNA positions 461 to 462, TT inserted.
Protein change: p.Pro155fs; shifts the reading frame from proline 155.
Molecular consequence: frameshift variant.
Genome position: GRCh38 VCF-style: chr12-12718300-G-GTT. GRCh37 (hg19) VCF-style: chr12-12871234-G-GTT.
Other names: short protein forms P155fs.
Identifiers: ClinVar variation 936463 (VCV000936463.9), dbSNP rs1946500153, ClinGen allele CA1139662517.